The following is an entry in ClinVar:

NM_000427.3(LORICRIN):c.112GGC[5] (p.Gly41dup)

Gene: LORICRIN (loricrin cornified envelope precursor protein; plus strand). Cytogenetic location: 1q21.3.
Variant type: Microsatellite.
Coding change: c.112GGC[5] on transcript NM_000427.3 (MANE Select); five copies in a row of the 3-base unit GGC starting at c.112; the reference has four copies in a row; one copy, 3 bases duplicated.
Protein change: p.Gly41dup; duplicates glycine 41.
Molecular consequence: inframe insertion.
Genome position (GRCh38, 1-based): chr1:153,261,070-153,261,072, GGC duplicated; duplicating any 3 consecutive bases within chr1:153,261,060-153,261,072 gives the same sequence; the position shown is the placement nearest the transcript's 3' end. VCF-style (leftmost placement, unchanged base first): chr1-153261059-T-TCGG. GRCh37 (hg19) VCF-style: chr1-153233535-T-TCGG.
Identifiers: ClinVar variation 587580 (VCV000587580.36), dbSNP rs770195151, ClinGen allele CA1114295.

ClinVar aggregate classification (germline): Conflicting classifications of pathogenicity. Review status: criteria provided, conflicting classifications (1 of 4 stars). 4 submissions from 4 submitters: Uncertain significance (1); Benign (1); Likely benign (2). Last evaluated 2026-07-01.

Conditions:
Loricrin keratoderma. Also called: Vohwinkel syndrome with ichthyosis. Identifiers: Orphanet 79395, MedGen C1858805, MONDO:0011396, OMIM 604117.

Submissions (4):

CeGaT Center for Human Genetics Tuebingen
Classification: Likely benign. Last evaluated: 2026-07-01. Review status: criteria provided, single submitter. Criteria: CeGaT Center For Human Genetics Tuebingen Variant Classification Criteria Version 2. Collection method: clinical testing. Allele origin: germline. Affected: yes. Observed: 3 variant alleles.
Comment: LORICRIN: BS2

Labcorp Genetics (formerly Invitae), Labcorp
Classification: Benign. Last evaluated: 2026-01-15. Review status: criteria provided, single submitter. Criteria: Invitae Variant Classification Sherloc (09022015). Collection method: clinical testing. Allele origin: germline.

Blueprint Genetics
Classification: Likely benign. Last evaluated: 2024-11-25. Review status: criteria provided, single submitter. Criteria: ACMG Guidelines, 2015. Collection method: clinical testing. Allele origin: germline.

Genomic Research Center, Shahid Beheshti University of Medical Sciences
Classification: Uncertain significance for Vohwinkel syndrome, variant form. Last evaluated: 2018-08-07. Review status: criteria provided, single submitter. Criteria: ACMG Guidelines, 2015. Collection method: clinical testing. Allele origin: inherited. Affected: yes. Observed: 1 variant allele.